The following is an entry in ClinVar:

ClinVar aggregate classification (germline): Uncertain significance (1 of 4 stars; one submission).

Conditions:
Developmental and epileptic encephalopathy, 34 (DEE34). Also called: Early infantile epileptic encephalopathy 34; SLC12A5-Related Epilepsy of Infancy with Migrating Focal Seizures. Identifiers: Orphanet 293181, MedGen C4225257, MONDO:0014718, OMIM 616645.

Allele frequency attached by ClinVar (database versions not stated): gnomAD 0.00002; TOPMed 0.00002.
gnomAD v4.1: 3 of 1,613,976 alleles (0.00019%); highest among the groups gnomAD compares: African/African-American, 0.004%; no homozygotes.

Submission:

Labcorp Genetics (formerly Invitae), Labcorp
Classification: Uncertain significance for Developmental and epileptic encephalopathy, 34. Last evaluated: 2022-01-12. Review status: criteria provided, single submitter. Criteria: Invitae Variant Classification Sherloc (09022015). Collection method: clinical testing. Allele origin: germline.
Comment: This sequence change replaces serine, which is neutral and polar, with isoleucine, which is neutral and non-polar, at codon 604 of the SLC12A5 protein (p.Ser604Ile). This variant is present in population databases (no rsID available, gnomAD 0.02%). This variant has not been reported in the literature in individuals affected with SLC12A5-related conditions. Advanced modeling of protein sequence and biophysical properties (such as structural, functional, and spatial information, amino acid conservation, physicochemical variation, residue mobility, and thermodynamic stability) performed at Invitae indicates that this missense variant is not expected to disrupt SLC12A5 protein function. In summary, the available evidence is currently insufficient to determine the role of this variant in disease. Therefore, it has been classified as a Variant of Uncertain Significance.

NM_020708.5(SLC12A5):c.1811G>T (p.Ser604Ile)

Gene: SLC12A5 (solute carrier family 12 member 5; plus strand). Cytogenetic location: 20q13.12.
Variant type: single nucleotide variant.
Coding change: c.1811G>T on transcript NM_020708.5 (MANE Select); coding-DNA position 1811, G replaced by T.
Protein change: p.Ser604Ile; replaces serine 604 with isoleucine.
Molecular consequence: missense variant.
Genome position (GRCh38, 1-based): chr20:46,047,477, G>T. VCF-style: chr20-46047477-G-T. GRCh37 (hg19) VCF-style: chr20-44676116-G-T.
Other names: c.1880G>T, p.Ser627Ile (NM_001134771.2); short protein forms S604I, S627I.
Identifiers: ClinVar variation 2192535 (VCV002192535.1), dbSNP rs1352219291, ClinGen allele CA409198976.
Genomic context (GRCh38, chr20:46,047,477, plus strand): 5'-CTGGGGCTCAGAGGCTGGGTCTCCCCACCTTGTCTAGGACCCTCTCCTTCCTGGGCATGA[G>T]CCTCTGCCTGGCCCTCATGTTCATCTGCTCCTGGTATTATGCACTGGTAGCCATGCTCAT-3'
Protein context (NP_065759.1, residues 594-614): YHWTLSFLGM[Ser604Ile]LCLALMFICS